The following is an entry in ClinVar:

NM_000051.4(ATM):c.6273G>C (p.Trp2091Cys)

Genes: C11orf65 (chromosome 11 open reading frame 65; minus strand), ATM (ATM serine/threonine kinase; plus strand). Cytogenetic location: 11q22.3.
Variant type: single nucleotide variant.
Coding change: c.6273G>C on transcript NM_000051.4 (MANE Select); coding-DNA position 6273, G replaced by C.
Protein change: p.Trp2091Cys; replaces tryptophan 2091 with cysteine.
Molecular consequence: missense variant. On other transcripts: intron variant (2).
Genome position (GRCh38, 1-based): chr11:108,317,447, G>C. VCF-style: chr11-108317447-G-C. GRCh37 (hg19) VCF-style: chr11-108188174-G-C.
Other names: c.6273G>C, p.Trp2091Cys (NM_001351834.2); c.641-8376C>G (NM_001330368.2); c.*39-8376C>G (NM_001351110.2); short protein forms W2091C.
Identifiers: ClinVar variation 4747239 (VCV004747239.1).

ClinVar aggregate classification (germline): Uncertain significance (1 of 4 stars; one submission).

Conditions:
Ataxia-telangiectasia syndrome (AT). Also called: LOUIS-BAR SYNDROME; Cerebello-oculocutaneous telangiectasia; Immunodeficiency with ataxia telangiectasia; Ataxia-telangiectasia, complementation group D; AT, COMPLEMENTATION GROUP C; ATAXIA-TELANGIECTASIA, COMPLEMENTATION GROUP A. Identifiers: Orphanet 100, MedGen C0004135, MONDO:0008840, OMIM 208900.

Submission:

Labcorp Genetics (formerly Invitae), Labcorp
Classification: Uncertain significance for Ataxia-telangiectasia syndrome. Last evaluated: 2025-09-20. Review status: criteria provided, single submitter. Criteria: Invitae Variant Classification Sherloc (09022015). Collection method: clinical testing. Allele origin: germline.
Comment: This sequence change replaces tryptophan, which is neutral and slightly polar, with cysteine, which is neutral and slightly polar, at codon 2091 of the ATM protein (p.Trp2091Cys). This variant is not present in population databases (gnomAD no frequency). This variant has not been reported in the literature in individuals affected with ATM-related conditions. Invitae Evidence Modeling of protein sequence and biophysical properties (such as structural, functional, and spatial information, amino acid conservation, physicochemical variation, residue mobility, and thermodynamic stability) indicates that this missense variant is not expected to disrupt ATM protein function with a negative predictive value of 95%. In summary, the available evidence is currently insufficient to determine the role of this variant in disease. Therefore, it has been classified as a Variant of Uncertain Significance.